The following is an entry in ClinVar:

ClinVar aggregate classification (germline): Uncertain significance (1 of 4 stars; one submission).

Conditions:
Glycogen storage disease type III (GSD3). Also called: Cori disease; FORBES DISEASE. Identifiers: Orphanet 366, MedGen C0017922, MONDO:0009291, OMIM 232400.

Allele frequency attached by ClinVar (database versions not stated): TOPMed below 0.00001; gnomAD 0.00001; gnomAD exomes 0.00001; ExAC 0.00002.
gnomAD v4.1: 9 of 1,613,394 alleles (0.00056%); highest among the groups gnomAD compares: Non-Finnish European, 0.00076%; no homozygotes.

Submission:

Labcorp Genetics (formerly Invitae), Labcorp
Classification: Uncertain significance for Glycogen storage disease type III. Last evaluated: 2022-02-12. Review status: criteria provided, single submitter. Criteria: Invitae Variant Classification Sherloc (09022015). Collection method: clinical testing. Allele origin: germline.
Comment: This sequence change replaces lysine, which is basic and polar, with arginine, which is basic and polar, at codon 1024 of the AGL protein (p.Lys1024Arg). This variant is present in population databases (rs755500845, gnomAD 0.003%). This variant has not been reported in the literature in individuals affected with AGL-related conditions. Algorithms developed to predict the effect of missense changes on protein structure and function (SIFT, PolyPhen-2, Align-GVGD) all suggest that this variant is likely to be tolerated. In summary, the available evidence is currently insufficient to determine the role of this variant in disease. Therefore, it has been classified as a Variant of Uncertain Significance.

NM_000642.3(AGL):c.3071A>G (p.Lys1024Arg)

Gene: AGL (amylo-alpha-1,6-glucosidase and 4-alpha-glucanotransferase; plus strand). Cytogenetic location: 1p21.2.
Variant type: single nucleotide variant.
Coding change: c.3071A>G on transcript NM_000642.3 (MANE Select); coding-DNA position 3071, A replaced by G.
Protein change: p.Lys1024Arg; replaces lysine 1024 with arginine.
Molecular consequence: missense variant.
Genome position (GRCh38, 1-based): chr1:99,891,727, A>G. VCF-style: chr1-99891727-A-G. GRCh37 (hg19) VCF-style: chr1-100357283-A-G.
Other names: c.3071A>G, p.Lys1024Arg (NM_000028.3, NM_000643.3, NM_000644.3 and 1 more transcripts); c.3023A>G, p.Lys1008Arg (NM_000646.3); c.3050A>G, p.Lys1017Arg (NM_001425326.1); c.2870A>G, p.Lys957Arg (NM_001425327.1); c.2867A>G, p.Lys956Arg (NM_001425328.1); c.2732A>G, p.Lys911Arg (NM_001425329.1); c.2693A>G, p.Lys898Arg (NM_001425332.1); short protein forms K1008R, K1024R, K1017R, K898R, K911R, K956R, K957R.
Identifiers: ClinVar variation 2188475 (VCV002188475.1), dbSNP rs755500845, ClinGen allele CA966958.